The following is an entry in ClinVar:

ClinVar aggregate classification (germline): Uncertain significance. Review status: criteria provided, multiple submitters, no conflicts (2 of 4 stars). 2 submissions from 2 submitters: Uncertain significance (2). Last evaluated 2023-02-10.

Conditions:
Cardiovascular phenotype. Identifiers: MedGen CN230736.
Hereditary cancer-predisposing syndrome. Also called: Neoplastic Syndromes, Hereditary; Hereditary Cancer Syndrome; Tumor predisposition; Hereditary neoplastic syndrome. Identifiers: Orphanet 140162, MedGen C0027672, MeSH D009386, MONDO:0015356.
Neurofibromatosis, type 1 (NF1). Also called: NEUROFIBROMATOSIS, TYPE I, SOMATIC; VON RECKLINGHAUSEN DISEASE; Peripheral type neurofibromatosis; Neurofibromatosis, type I. Identifiers: Orphanet 636, MedGen C0027831, MONDO:0018975, OMIM 162200. Disease mechanism: loss of function.

Submissions (2):

Ambry Genetics
Classification: Uncertain significance for Cardiovascular phenotype; Hereditary cancer-predisposing syndrome. Last evaluated: 2023-02-10. Review status: criteria provided, single submitter. Criteria: Ambry Variant Classification Scheme 2023. Collection method: clinical testing. Allele origin: germline.
Comment: The p.K810E variant (also known as c.2428A>G), located in coding exon 21 of the NF1 gene, results from an A to G substitution at nucleotide position 2428. The lysine at codon 810 is replaced by glutamic acid, an amino acid with similar properties. This amino acid position is conserved. In addition, this alteration is predicted to be tolerated by in silico analysis. Since supporting evidence is limited at this time, the clinical significance of this alteration remains unclear.

Labcorp Genetics (formerly Invitae), Labcorp
Classification: Uncertain significance for Neurofibromatosis, type 1. Last evaluated: 2021-04-18. Review status: criteria provided, single submitter. Criteria: Invitae Variant Classification Sherloc (09022015). Collection method: clinical testing. Allele origin: germline.
Comment: In summary, the available evidence is currently insufficient to determine the role of this variant in disease. Therefore, it has been classified as a Variant of Uncertain Significance. Advanced modeling of protein sequence and biophysical properties (such as structural, functional, and spatial information, amino acid conservation, physicochemical variation, residue mobility, and thermodynamic stability) performed at Invitae indicates that this missense variant is not expected to disrupt NF1 protein function. This variant has not been reported in the literature in individuals with NF1-related conditions. This variant is not present in population databases (ExAC no frequency). This sequence change replaces lysine with glutamic acid at codon 810 of the NF1 protein (p.Lys810Glu). The lysine residue is moderately conserved and there is a small physicochemical difference between lysine and glutamic acid.

NM_001042492.3(NF1):c.2428A>G (p.Lys810Glu)

Gene: NF1 (neurofibromin 1; plus strand). Cytogenetic location: 17q11.2.
Variant type: single nucleotide variant.
Coding change: c.2428A>G on transcript NM_001042492.3 (MANE Select); coding-DNA position 2428, A replaced by G.
Protein change: p.Lys810Glu; replaces lysine 810 with glutamic acid.
Molecular consequence: missense variant.
Genome position (GRCh38, 1-based): chr17:31,229,043, A>G. VCF-style: chr17-31229043-A-G. GRCh37 (hg19) VCF-style: chr17-29556061-A-G.
Other names: c.2428A>G, p.Lys810Glu (NM_000267.4); short protein forms K810E.
Identifiers: ClinVar variation 1460535 (VCV001460535.9), dbSNP rs2151428832, ClinGen allele CA398983847.